The following is an entry in ClinVar:

ClinVar aggregate classification (germline): Uncertain significance (1 of 4 stars; one submission).

Conditions:
Familial hypercholesterolemia. Also called: Familial hypercholesterolaemia. Identifiers: MedGen C0020445, MONDO:0005439.

Submission:

Color Diagnostics, LLC DBA Color Health
Classification: Uncertain significance for Familial hypercholesterolemia. Last evaluated: 2023-12-04. Review status: criteria provided, single submitter. Criteria: ACMG Guidelines, 2015. Collection method: clinical testing. Allele origin: germline.
Comment: This missense variant replaces alanine with threonine at codon 676 of the PCSK9 protein. Computational prediction tools and conservation analyses are inconclusive regarding the impact of this variant on protein structure and function. Splice site prediction tools suggest that this variant may not impact RNA splicing. To our knowledge, functional studies have not been performed for this variant. This variant has not been reported in individuals affected with familial hypercholesterolemia in the literature. This variant has not been identified in the general population by the Genome Aggregation Database (gnomAD). The available evidence is insufficient to determine the role of this variant in disease conclusively. Therefore, this variant is classified as a Variant of Uncertain Significance.

NM_174936.4(PCSK9):c.2026G>A (p.Ala676Thr)

Gene: PCSK9 (proprotein convertase subtilisin/kexin type 9; plus strand). Cytogenetic location: 1p32.3.
Variant type: single nucleotide variant.
Coding change: c.2026G>A on transcript NM_174936.4 (MANE Select); coding-DNA position 2026, G replaced by A.
Protein change: p.Ala676Thr; replaces alanine 676 with threonine.
Molecular consequence: missense variant.
Genome position (GRCh38, 1-based): chr1:55,063,531, G>A. VCF-style: chr1-55063531-G-A. GRCh37 (hg19) VCF-style: chr1-55529204-G-A.
Other names: c.2149G>A, p.Ala717Thr (NM_001407240.1); c.2068G>A, p.Ala690Thr (NM_001407241.1); c.2029G>A, p.Ala677Thr (NM_001407242.1); c.1969G>A, p.Ala657Thr (NM_001407243.1); c.1852G>A, p.Ala618Thr (NM_001407244.1); c.1834G>A, p.Ala612Thr (NM_001407245.1); c.1651G>A, p.Ala551Thr (NM_001407246.1); c.1525G>A, p.Ala509Thr (NM_001407247.1); short protein forms A676T, A612T, A657T, A690T, A618T, A509T, A551T, A677T.
Identifiers: ClinVar variation 927781 (VCV000927781.6), dbSNP rs1644778814, ClinGen allele CA340480857.